The following is an entry in ClinVar:

ClinVar aggregate classification (germline): Likely benign (1 of 4 stars; one submission).

Allele frequency attached by ClinVar (database versions not stated): gnomAD exomes 0.00001.

Submission:

CeGaT Center for Human Genetics Tuebingen
Classification: Likely benign. Last evaluated: 2022-04-01. Review status: criteria provided, single submitter. Criteria: CeGaT Center For Human Genetics Tuebingen Variant Classification Criteria Version 2. Collection method: clinical testing. Allele origin: germline. Affected: yes. Observed: 1 variant allele.
Comment: MUC2: BP4, BP7

NM_002457.5(MUC2):c.15180G>A (p.Ser5060=)

Gene: MUC2 (mucin 2, oligomeric mucus/gel-forming; plus strand). Cytogenetic location: 11p15.5.
Variant type: single nucleotide variant.
Coding change: c.15180G>A on transcript NM_002457.5 (MANE Select); coding-DNA position 15180, G replaced by A.
Protein change: p.Ser5060=; no amino-acid change (serine 5060 retained).
Molecular consequence: synonymous variant.
Genome position (GRCh38, 1-based): chr11:1,110,142, G>A. VCF-style: chr11-1110142-G-A. GRCh37 (hg19) VCF-style: chr11-1104050-G-A.
Identifiers: ClinVar variation 2641161 (VCV002641161.24), dbSNP rs995620274, ClinGen allele CA217004869.